The following is an entry in ClinVar:

NM_003274.5(TRAPPC10):c.3693C>T (p.Ala1231=)

Gene: TRAPPC10 (trafficking protein particle complex subunit 10; plus strand). Cytogenetic location: 21q22.3.
Variant type: single nucleotide variant.
Coding change: c.3693C>T on transcript NM_003274.5 (MANE Select); coding-DNA position 3693, C replaced by T.
Protein change: p.Ala1231=; no amino-acid change (alanine 1231 retained).
Molecular consequence: synonymous variant.
Genome position (GRCh38, 1-based): chr21:44,103,444, C>T. VCF-style: chr21-44103444-C-T. GRCh37 (hg19) VCF-style: chr21-45523325-C-T.
Other names: c.2292C>T, p.Ala764= (NM_001351709.1).
Identifiers: ClinVar variation 5041143 (VCV005041143.1).
Genomic context (GRCh38, chr21:44,103,444, plus strand): 5'-TTCGGCCTGCAGCAGCGAGCACAAAGGCCTACCCATGCCCCGGCTGCAGGCACTGCCGGC[C>T]GGCCAGGTCTTCAACTCCAGCTCGGGCACACAAGTCCTGGTCATCCCCAGCCAAGATGAC-3'
Protein context (NP_003265.3, residues 1221-1241): LPMPRLQALP[Ala1231=]GQVFNSSSGT

ClinVar aggregate classification (germline): Likely benign (1 of 4 stars; one submission).

Submission:

CeGaT Center for Human Genetics Tuebingen
Classification: Likely benign. Last evaluated: 2026-09-01. Review status: criteria provided, single submitter. Criteria: CeGaT Center For Human Genetics Tuebingen Variant Classification Criteria Version 2. Collection method: clinical testing. Allele origin: germline. Affected: yes. Observed: 1 variant allele.
Comment: TRAPPC10: PM2:Supporting, BP4, BP7